The following is an entry in ClinVar:

ClinVar aggregate classification (germline): Likely benign (1 of 4 stars; one submission).

Conditions:
Congenital isolated adrenocorticotropic hormone deficiency. Also called: ACTH DEFICIENCY, ISOLATED; ACTH deficiency; Adrenocorticotropic hormone deficiency. Identifiers: Orphanet 199296, MedGen C0342388, MONDO:0008720, OMIM 201400, HP:0011748.

Allele frequency attached by ClinVar (database versions not stated): gnomAD 0.00001 and 0.00013; TOPMed 0.00002; 1000 Genomes Project 30x 0.00141; 1000 Genomes Project 0.00160.

Submission:

Illumina Laboratory Services, Illumina
Classification: Likely benign for Congenital isolated adrenocorticotropic hormone deficiency. Last evaluated: 2018-01-12. Review status: criteria provided, single submitter. Criteria: ICSL Variant Classification Criteria 13 December 2019. Collection method: clinical testing. Allele origin: germline.
Comment: This variant was observed in the ICSL laboratory as part of a predisposition screen in an ostensibly healthy population. It had not been previously curated by ICSL or reported in the Human Gene Mutation Database (HGMD: prior to June 1st, 2018), and was therefore a candidate for classification through an automated scoring system. Utilizing variant allele frequency, disease prevalence and penetrance estimates, and inheritance mode, an automated score was calculated to assess if this variant is too frequent to cause the disease. Based on the score and internal cut-off values, a variant classified as likely benign is not then subjected to further curation. The score for this variant resulted in a classification of likely benign for this disease.

NM_005149.3(TBX19):c.*1266C>T

Gene: TBX19 (T-box transcription factor 19; plus strand). Cytogenetic location: 1q24.2.
Variant type: single nucleotide variant.
Coding change: c.*1266C>T on transcript NM_005149.3 (MANE Select); 1266 bases downstream of the stop codon, C replaced by T.
Molecular consequence: 3 prime UTR variant.
Genome position (GRCh38, 1-based): chr1:168,314,268, C>T. VCF-style: chr1-168314268-C-T. GRCh37 (hg19) VCF-style: chr1-168283506-C-T.
Identifiers: ClinVar variation 293504 (VCV000293504.5), dbSNP rs544283210, ClinGen allele CA10608669.